The following is an entry in ClinVar:

ClinVar aggregate classification (germline): Uncertain significance (1 of 4 stars; one submission).

Conditions:
Familial hemiplegic migraine. Identifiers: MedGen C0338484, MONDO:0000700.

Submission:

Labcorp Genetics (formerly Invitae), Labcorp
Classification: Uncertain significance for Familial hemiplegic migraine. Last evaluated: 2022-06-12. Review status: criteria provided, single submitter. Criteria: Invitae Variant Classification Sherloc (09022015). Collection method: clinical testing. Allele origin: germline.
Comment: In summary, the available evidence is currently insufficient to determine the role of this variant in disease. Therefore, it has been classified as a Variant of Uncertain Significance. Advanced modeling of protein sequence and biophysical properties (such as structural, functional, and spatial information, amino acid conservation, physicochemical variation, residue mobility, and thermodynamic stability) performed at Invitae indicates that this missense variant is expected to disrupt ATP1A2 protein function. This variant has not been reported in the literature in individuals affected with ATP1A2-related conditions. This variant is present in population databases (no rsID available, gnomAD 0.3%). This sequence change replaces cysteine, which is neutral and slightly polar, with glycine, which is neutral and non-polar, at codon 603 of the ATP1A2 protein (p.Cys603Gly).

NM_000702.4(ATP1A2):c.1807T>G (p.Cys603Gly)

Gene: ATP1A2 (ATPase Na+/K+ transporting subunit alpha 2; plus strand). Cytogenetic location: 1q23.2.
Variant type: single nucleotide variant.
Coding change: c.1807T>G on transcript NM_000702.4 (MANE Select); coding-DNA position 1807, T replaced by G.
Protein change: p.Cys603Gly; replaces cysteine 603 with glycine.
Molecular consequence: missense variant.
Genome position (GRCh38, 1-based): chr1:160,130,577, T>G. VCF-style: chr1-160130577-T-G. GRCh37 (hg19) VCF-style: chr1-160100367-T-G.
Other names: short protein forms C603G.
Identifiers: ClinVar variation 2171728 (VCV002171728.4), dbSNP rs1283379678, ClinGen allele CA343244514.